The following is an entry in ClinVar:

NM_006073.4(TRDN):c.1018G>A (p.Glu340Lys)

Gene: TRDN (triadin; minus strand). Cytogenetic location: 6q22.31.
Variant type: single nucleotide variant.
Coding change: c.1018G>A on transcript NM_006073.4 (MANE Select); coding-DNA position 1018, G replaced by A.
Protein change: p.Glu340Lys; replaces glutamic acid 340 with lysine.
Molecular consequence: missense variant.
Genome position (GRCh38, 1-based): chr6:123,438,096, C>T on the plus strand (G>A on the coding strand, the complement: TRDN is on the minus strand). VCF-style: chr6-123438096-C-T. GRCh37 (hg19) VCF-style: chr6-123759241-C-T.
Other names: c.1021G>A, p.Glu341Lys (NM_001251987.2); short protein forms E341K, E340K.
Identifiers: ClinVar variation 947394 (VCV000947394.5), dbSNP rs778821180, ClinGen allele CA147270829.

ClinVar aggregate classification (germline): Conflicting classifications of pathogenicity. Review status: criteria provided, conflicting classifications (1 of 4 stars). 2 submissions from 2 submitters: Uncertain significance (1); Likely benign (1). Last evaluated 2025-09-02.

Conditions:
Catecholaminergic polymorphic ventricular tachycardia (CVPT). Also called: Catecholamine-induced polymorphic ventricular tachycardia. Identifiers: Orphanet 3286, MedGen C5574922, MONDO:0017990.
Cardiovascular phenotype. Identifiers: MedGen CN230736.

Allele frequency attached by ClinVar (database versions not stated): gnomAD exomes below 0.00001 and 0.00002; gnomAD 0.00001.
gnomAD v4.1: 25 of 1,592,098 alleles (0.0016%); highest among the groups gnomAD compares: Non-Finnish European, 0.0021%; no homozygotes.

Submissions (2):

Ambry Genetics
Classification: Likely benign for Cardiovascular phenotype. Last evaluated: 2025-09-02. Review status: criteria provided, single submitter. Criteria: Ambry Variant Classification Scheme 2023. Collection method: clinical testing. Allele origin: germline.

Labcorp Genetics (formerly Invitae), Labcorp
Classification: Uncertain significance for Catecholaminergic polymorphic ventricular tachycardia. Last evaluated: 2019-05-15. Review status: criteria provided, single submitter. Criteria: Invitae Variant Classification Sherloc (09022015). Collection method: clinical testing. Allele origin: germline.
Comment: This sequence change replaces glutamic acid with lysine at codon 340 of the TRDN protein (p.Glu340Lys). The glutamic acid residue is weakly conserved and there is a small physicochemical difference between glutamic acid and lysine. This variant is not present in population databases (ExAC no frequency). This variant has not been reported in the literature in individuals with TRDN-related conditions. Algorithms developed to predict the effect of missense changes on protein structure and function are either unavailable or do not agree on the potential impact of this missense change (SIFT: "Deleterious"; PolyPhen-2: "Possibly Damaging"; Align-GVGD: "Class C0"). In summary, the available evidence is currently insufficient to determine the role of this variant in disease. Therefore, it has been classified as a Variant of Uncertain Significance.